The following is an entry in ClinVar:

NM_206937.2(LIG4):c.2435T>G (p.Met812Arg)

Gene: LIG4 (DNA ligase 4; minus strand). Cytogenetic location: 13q33.3.
Variant type: single nucleotide variant.
Coding change: c.2435T>G on transcript NM_206937.2 (MANE Select); coding-DNA position 2435, T replaced by G.
Protein change: p.Met812Arg; replaces methionine 812 with arginine.
Molecular consequence: missense variant.
Genome position (GRCh38, 1-based): chr13:108,208,834, A>C on the plus strand (T>G on the coding strand, the complement: LIG4 is on the minus strand). VCF-style: chr13-108208834-A-C. GRCh37 (hg19) VCF-style: chr13-108861182-A-C.
Other names: c.2435T>G, p.Met812Arg (NM_001098268.2, NM_001352598.2, NM_001352599.2 and 6 more transcripts); c.2234T>G, p.Met745Arg (NM_001330595.2); c.2471T>G, p.Met824Arg (NM_001352604.2); short protein forms M812R, M745R, M824R.
Identifiers: ClinVar variation 881240 (VCV000881240.5), dbSNP rs748716395, ClinGen allele CA7043501.

ClinVar aggregate classification (germline): Uncertain significance. Review status: criteria provided, multiple submitters, no conflicts (2 of 4 stars). 3 submissions from 2 submitters: Uncertain significance (3). Last evaluated 2022-03-26.

Conditions:
DNA ligase IV deficiency. Identifiers: Orphanet 99812, MedGen C1847827, MONDO:0011686, OMIM 606593.
Severe combined immunodeficiency due to DCLRE1C deficiency (RS-SCID). Also called: SCID, AUTOSOMAL RECESSIVE, T CELL-NEGATIVE, B CELL-NEGATIVE, NK CELL-POSITIVE, WITH SENSITIVITY TO IONIZING RADIATION. Identifiers: Orphanet 275, MedGen C1865371, MONDO:0011225, OMIM 602450.

Allele frequency attached by ClinVar (database versions not stated): ExAC 0.00001; gnomAD 0.00002; gnomAD exomes 0.00001; TOPMed 0.00002.
gnomAD v4.1: 31 of 1,614,074 alleles (0.0019%); highest among the groups gnomAD compares: Non-Finnish European, 0.0025%; no homozygotes.

Submissions (3):

Labcorp Genetics (formerly Invitae), Labcorp
Classification: Uncertain significance for DNA ligase IV deficiency. Last evaluated: 2022-03-26. Review status: criteria provided, single submitter. Criteria: Invitae Variant Classification Sherloc (09022015). Collection method: clinical testing. Allele origin: germline.
Comment: This sequence change replaces methionine, which is neutral and non-polar, with arginine, which is basic and polar, at codon 812 of the LIG4 protein (p.Met812Arg). This variant is present in population databases (rs748716395, gnomAD 0.003%). This variant has not been reported in the literature in individuals affected with LIG4-related conditions. ClinVar contains an entry for this variant (Variation ID: 881240). Algorithms developed to predict the effect of missense changes on protein structure and function are either unavailable or do not agree on the potential impact of this missense change (SIFT: "Deleterious"; PolyPhen-2: "Benign"; Align-GVGD: "Class C0"). Algorithms developed to predict the effect of sequence changes on RNA splicing suggest that this variant may create or strengthen a splice site. In summary, the available evidence is currently insufficient to determine the role of this variant in disease. Therefore, it has been classified as a Variant of Uncertain Significance.

Illumina Laboratory Services, Illumina
Classification: Uncertain significance for Severe combined immunodeficiency due to DCLRE1C deficiency. Last evaluated: 2018-01-13. Review status: criteria provided, single submitter. Criteria: ICSL Variant Classification Criteria 13 December 2019. Collection method: clinical testing. Allele origin: germline.

Illumina Laboratory Services, Illumina
Classification: Uncertain significance for DNA ligase IV deficiency. Last evaluated: 2018-01-13. Review status: criteria provided, single submitter. Criteria: ICSL Variant Classification Criteria 13 December 2019. Collection method: clinical testing. Allele origin: germline.